The following is an entry in ClinVar:

ClinVar aggregate classification (germline): Pathogenic (1 of 4 stars; one submission).

Conditions:
VPS13A-related neurodegenerative disease. Also called: ACANTHOCYTOSIS WITH NEUROLOGIC DISORDER; LEVINE-CRITCHLEY SYNDROME; Choreoacanthocytosis; Chorea-acanthocytosis; Choreaacanthocytosis; VPS13A Disease. Identifiers: Orphanet 2388, MedGen C0393576, MONDO:0008695, OMIM 200150.

Submission:

Myriad Genetics, Inc.
Classification: Pathogenic for VPS13A-related neurodegenerative disease. Last evaluated: 2024-07-16. Review status: criteria provided, single submitter. Criteria: Myriad Autosomal Dominant, Autosomal Recessive and X-Linked Classification Criteria (2023). Collection method: clinical testing. Allele origin: unknown.
Comment: NM_033305.2(VPS13A):c.1511dupA(N504Kfs*6) is expected to be pathogenic in the context of VPS13A disease. This variant is predicted to lead to an abnormal or absent protein product due to the creation of a premature termination codon in VPS13A, a gene where loss-of-function variants are known to be pathogenic. Please note: this variant was assessed in the context of healthy population screening.

NM_033305.3(VPS13A):c.1511dup (p.Asn504fs)

Gene: VPS13A (vacuolar protein sorting 13 homolog A; plus strand). Cytogenetic location: 9q21.2.
Variant type: Duplication.
Coding change: c.1511dup on transcript NM_033305.3 (MANE Select); coding-DNA position 1511, one base duplicated (A; older notation c.1511dupA).
Protein change: p.Asn504fs; shifts the reading frame from asparagine 504.
Molecular consequence: frameshift variant.
Genome position (GRCh38, 1-based): chr9:77,228,180, A duplicated; the last of 4 consecutive A bases (chr9:77,228,177-77,228,180); duplicating any one gives the same sequence. VCF-style (leftmost placement, unchanged base first): chr9-77228176-G-GA. GRCh37 (hg19) VCF-style: chr9-79843092-G-GA.
Other names: c.1511dup, p.Asn504fs (NM_001018037.2, NM_001018038.3, NM_015186.4); short protein forms N504fs.
Identifiers: ClinVar variation 5013315 (VCV005013315.1).
Genomic context (GRCh38, chr9:77,228,176, plus strand): 5'-CCTTAGTTTGAAGCCTTGAAGTTTTTTGTCCACTTGAAAAGTATGTCTATTGTTCTAAGA[G>GA]AAAATCATCAAAAACCTGAGCTGGTAGATATTGTAATAGAAGAATTTAGCACCTTAATTG-3'